The following is an entry in ClinVar:

ClinVar aggregate classification (germline): Uncertain significance (1 of 4 stars; one submission).

Conditions:
Cardiovascular phenotype. Identifiers: MedGen CN230736.

Submission:

Ambry Genetics
Classification: Uncertain significance for Cardiovascular phenotype. Last evaluated: 2026-02-14. Review status: criteria provided, single submitter. Criteria: Ambry Variant Classification Scheme 2023. Collection method: clinical testing. Allele origin: germline.
Comment: The p.R3821G variant (also known as c.11461C>G), located in coding exon 2 of the ZNF469 gene, results from a C to G substitution at nucleotide position 11461. The arginine at codon 3821 is replaced by glycine, an amino acid with dissimilar properties. This amino acid position is conserved. In addition, this alteration is predicted to be tolerated by in silico analysis. Based on the available evidence, the clinical significance of this variant remains unclear.

NM_001127464.1:c.11461C>G

Gene: ZNF469 (zinc finger protein 469; plus strand).
Variant type: single nucleotide variant.
Identifiers: ClinVar variation 4845023 (VCV004845023.1).